The following is an entry in ClinVar:

NM_001031710.3(KLHL7):c.713T>G (p.Ile238Arg)

Gene: KLHL7 (kelch like family member 7; plus strand). Cytogenetic location: 7p15.3.
Variant type: single nucleotide variant.
Coding change: c.713T>G on transcript NM_001031710.3 (MANE Select); coding-DNA position 713, T replaced by G.
Protein change: p.Ile238Arg; replaces isoleucine 238 with arginine.
Molecular consequence: missense variant. On other transcripts: non-coding transcript variant (1).
Genome position (GRCh38, 1-based): chr7:23,143,945, T>G. VCF-style: chr7-23143945-T-G. GRCh37 (hg19) VCF-style: chr7-23183564-T-G.
Other names: c.569T>G, p.Ile190Arg (NM_018846.5); short protein forms I190R, I238R.
Identifiers: ClinVar variation 3725991 (VCV003725991.2).
Genomic context (GRCh38, chr7:23,143,945, plus strand): 5'-ATGAACCTAATCGCCAGCCATTTATGGTTGATATCCTTGCTAAAGTCAGGTTTCCTCTTA[T>G]ATCAAAGAATTTCTTAAGTAAAACGGTACAAGCTGAACCACTTATTCAAGACAATCCTGA-3'
Protein context (NP_001026880.2, residues 228-248): DILAKVRFPL[Ile238Arg]SKNFLSKTVQ

ClinVar aggregate classification (germline): Uncertain significance (1 of 4 stars; one submission).

Submission:

Labcorp Genetics (formerly Invitae), Labcorp
Classification: Uncertain significance. Last evaluated: 2024-11-25. Review status: criteria provided, single submitter. Criteria: Invitae Variant Classification Sherloc (09022015). Collection method: clinical testing. Allele origin: germline.
Comment: This sequence change replaces isoleucine, which is neutral and non-polar, with arginine, which is basic and polar, at codon 238 of the KLHL7 protein (p.Ile238Arg). This variant is not present in population databases (gnomAD no frequency). This variant has not been reported in the literature in individuals affected with KLHL7-related conditions. An algorithm developed to predict the effect of missense changes on protein structure and function (PolyPhen-2) suggests that this variant is likely to be disruptive. In summary, the available evidence is currently insufficient to determine the role of this variant in disease. Therefore, it has been classified as a Variant of Uncertain Significance.